The following is an entry in ClinVar:

ClinVar aggregate classification (germline): Uncertain significance (1 of 4 stars; one submission).

Conditions:
GNE myopathy (NM). Also called: NONAKA DISTAL MYOPATHY; INCLUSION BODY MYOPATHY, HEREDITARY, AUTOSOMAL RECESSIVE; INCLUSION BODY MYOPATHY 2, AUTOSOMAL RECESSIVE; IBM 2; Inclusion body myopathy autosomal recessive; Inclusion body myopathy quadriceps sparing. Identifiers: Orphanet 602, MedGen C1853926, MONDO:0011603, OMIM 605820.

Submission:

Myriad Genetics, Inc.
Classification: Uncertain significance for GNE myopathy. Last evaluated: 2026-05-22. Review status: criteria provided, single submitter. Criteria: Myriad Autosomal Dominant, Autosomal Recessive and X-Linked Classification Criteria (2023). Collection method: clinical testing. Allele origin: unknown.
Comment: NM_001128227.2(GNE):c.1427G>T(R476M) is a missense variant classified as a variant of uncertain significance in the context of GNE myopathy. R476M has not been observed in cases with relevant disease. Relevant functional assessments of this variant are not available in the literature. R476M has not been observed in referenced population frequency databases. In summary, there is insufficient evidence to classify NM_001128227.2(GNE):c.1427G>T(R476M) as pathogenic or benign. Please note: this variant was assessed in the context of healthy population screening.

NM_005476.7(GNE):c.1334G>T (p.Arg445Met)

Gene: GNE (glucosamine (UDP-N-acetyl)-2-epimerase/N-acetylmannosamine kinase; minus strand). Cytogenetic location: 9p13.3.
Variant type: single nucleotide variant.
Coding change: c.1334G>T on transcript NM_005476.7 (MANE Select); coding-DNA position 1334, G replaced by T.
Protein change: p.Arg445Met; replaces arginine 445 with methionine.
Molecular consequence: missense variant.
Genome position (GRCh38, 1-based): chr9:36,223,450, C>A on the plus strand (G>T on the coding strand, the complement: GNE is on the minus strand). VCF-style: chr9-36223450-C-A. GRCh37 (hg19) VCF-style: chr9-36223447-C-A.
Other names: c.1427G>T, p.Arg476Met (NM_001128227.3); c.1334G>T, p.Arg445Met (NM_001190383.3); c.1004G>T, p.Arg335Met (NM_001190384.3); c.1157G>T, p.Arg386Met (NM_001190388.2, NM_001374798.1); c.1181G>T, p.Arg394Met (NM_001374797.1); short protein forms R386M, R476M, R335M, R394M, R445M.
Identifiers: ClinVar variation 5004902 (VCV005004902.1).